The following is an entry in ClinVar:

NM_003005.4(SELP):c.1807G>A (p.Asp603Asn)

Gene: SELP (selectin P; minus strand). Cytogenetic location: 1q24.2.
Variant type: single nucleotide variant.
Coding change: c.1807G>A on transcript NM_003005.4 (MANE Select); coding-DNA position 1807, G replaced by A.
Protein change: p.Asp603Asn; replaces aspartic acid 603 with asparagine.
Molecular consequence: missense variant.
Genome position (GRCh38, 1-based): chr1:169,597,075, C>T on the plus strand (G>A on the coding strand, the complement: SELP is on the minus strand). VCF-style: chr1-169597075-C-T. GRCh37 (hg19) VCF-style: chr1-169566313-C-T.
Other names: short protein forms D603N.
Identifiers: ClinVar variation 3059039 (VCV003059039.2), dbSNP rs6127, ClinGen allele CA1235025.

ClinVar aggregate classification (germline): Benign (0 of 4 stars; one submission).

Conditions:
SELP-related disorder. Also called: SELP-related condition.

Allele frequency attached by ClinVar (database versions not stated): gnomAD exomes 0.58487; ExAC 0.63865; ESP Exome Variant Server 0.64547; gnomAD 0.66871; TOPMed 0.68296; 1000 Genomes Project 0.75080; 1000 Genomes Project 30x 0.75328.
gnomAD v4.1: 954,531 of 1,608,272 alleles (59%); highest among the groups gnomAD compares: East Asian, 96%; 291,198 homozygotes.

Submission:

PreventionGenetics, part of Exact Sciences
Classification: Benign for SELP-related condition. Last evaluated: 2019-10-17. Review status: no assertion criteria provided. Collection method: clinical testing. Allele origin: germline.
Comment: This variant is classified as benign based on ACMG/AMP sequence variant interpretation guidelines (Richards et al. 2015 PMID: 25741868, with internal and published modifications).